The following is an entry in ClinVar:

NM_002471.4(MYH6):c.530+3G>A

Genes: MYH6 (myosin heavy chain 6; minus strand), LOC114827851 (VISTA enhancer hs2155; plus strand). Cytogenetic location: 14q11.2.
Variant type: single nucleotide variant.
Coding change: c.530+3G>A on transcript NM_002471.4 (MANE Select); 3 bases into the intron after coding-DNA position 530, G replaced by A.
Molecular consequence: intron variant.
Genome position (GRCh38, 1-based): chr14:23,405,097, C>T on the plus strand (G>A on the coding strand, the complement: MYH6 is on the minus strand). VCF-style: chr14-23405097-C-T. GRCh37 (hg19) VCF-style: chr14-23874306-C-T.
Identifiers: ClinVar variation 1990519 (VCV001990519.4), dbSNP rs2502206876, ClinGen allele CA2580087940.

ClinVar aggregate classification (germline): Uncertain significance (1 of 4 stars; one submission).

Conditions:
Hypertrophic cardiomyopathy 14. Identifiers: MedGen C2750467, MONDO:0013197, OMIM 613251.

Allele frequency attached by ClinVar (database versions not stated): gnomAD exomes below 0.00001.
gnomAD v4.1: 1 of 1,614,028 alleles (0.000062%); highest among the groups gnomAD compares: Non-Finnish European, 0.000085%; no homozygotes.

Submission:

Labcorp Genetics (formerly Invitae), Labcorp
Classification: Uncertain significance for Hypertrophic cardiomyopathy 14. Last evaluated: 2022-03-10. Review status: criteria provided, single submitter. Criteria: Invitae Variant Classification Sherloc (09022015). Collection method: clinical testing. Allele origin: germline.
Comment: This variant is not present in population databases (gnomAD no frequency). This sequence change falls in intron 6 of the MYH6 gene. It does not directly change the encoded amino acid sequence of the MYH6 protein. It affects a nucleotide within the consensus splice site. This variant has not been reported in the literature in individuals affected with MYH6-related conditions. In summary, the available evidence is currently insufficient to determine the role of this variant in disease. Therefore, it has been classified as a Variant of Uncertain Significance. Variants that disrupt the consensus splice site are a relatively common cause of aberrant splicing (PMID: 17576681, 9536098). Algorithms developed to predict the effect of sequence changes on RNA splicing suggest that this variant is not likely to affect RNA splicing.

Literature cited by the submitters: PubMed 17576681; PubMed 9536098.